The following is an entry in ClinVar:

ClinVar aggregate classification (germline): Uncertain significance. Review status: criteria provided, multiple submitters, no conflicts (2 of 4 stars). 2 submissions from 2 submitters: Uncertain significance (2). Last evaluated 2024-04-04.

Conditions:
Cardiovascular phenotype. Identifiers: MedGen CN230736.
Dilated cardiomyopathy 1J (CMD1J). Also called: CARDIOMYOPATHY, DILATED, WITH SENSORINEURAL HEARING LOSS, AUTOSOMAL DOMINANT. Identifiers: Orphanet 217622, MedGen C1854368, MONDO:0011541, OMIM 605362.

Allele frequency attached by ClinVar (database versions not stated): gnomAD 0.00001; gnomAD exomes 0.00001.

Submissions (2):

Labcorp Genetics (formerly Invitae), Labcorp
Classification: Uncertain significance for Dilated cardiomyopathy 1J. Last evaluated: 2024-04-04. Review status: criteria provided, single submitter. Criteria: Invitae Variant Classification Sherloc (09022015). Collection method: clinical testing. Allele origin: germline.
Comment: This sequence change replaces cysteine, which is neutral and slightly polar, with glycine, which is neutral and non-polar, at codon 542 of the EYA4 protein (p.Cys542Gly). This variant is present in population databases (no rsID available, gnomAD 0.002%). This variant has not been reported in the literature in individuals affected with EYA4-related conditions. ClinVar contains an entry for this variant (Variation ID: 1024725). Advanced modeling of protein sequence and biophysical properties (such as structural, functional, and spatial information, amino acid conservation, physicochemical variation, residue mobility, and thermodynamic stability) performed at Invitae indicates that this missense variant is expected to disrupt EYA4 protein function with a positive predictive value of 80%. In summary, the available evidence is currently insufficient to determine the role of this variant in disease. Therefore, it has been classified as a Variant of Uncertain Significance.

Ambry Genetics
Classification: Uncertain significance for Cardiovascular phenotype. Last evaluated: 2023-04-18. Review status: criteria provided, single submitter. Criteria: Ambry Variant Classification Scheme 2023. Collection method: clinical testing. Allele origin: germline.
Comment: The p.C542G variant (also known as c.1624T>G), located in coding exon 17 of the EYA4 gene, results from a T to G substitution at nucleotide position 1624. The cysteine at codon 542 is replaced by glycine, an amino acid with highly dissimilar properties. This amino acid position is highly conserved in available vertebrate species. In addition, this alteration is predicted to be deleterious by in silico analysis. Since supporting evidence is limited at this time, the clinical significance of this alteration remains unclear.

NM_004100.5(EYA4):c.1624T>G (p.Cys542Gly)

Genes: TARID (TCF21 antisense RNA inducing promoter demethylation; minus strand), EYA4 (EYA transcriptional coactivator and phosphatase 4; plus strand). Cytogenetic location: 6q23.2.
Variant type: single nucleotide variant.
Coding change: c.1624T>G on transcript NM_004100.5 (MANE Select); coding-DNA position 1624, T replaced by G.
Protein change: p.Cys542Gly; replaces cysteine 542 with glycine.
Molecular consequence: missense variant.
Genome position (GRCh38, 1-based): chr6:133,523,063, T>G. VCF-style: chr6-133523063-T-G. GRCh37 (hg19) VCF-style: chr6-133844201-T-G.
Other names: c.1462T>G, p.Cys488Gly (NM_001301012.2); c.1642T>G, p.Cys548Gly (NM_001301013.2); c.1555T>G, p.Cys519Gly (NM_001370458.1, NM_172103.4); c.1480T>G, p.Cys494Gly (NM_001370459.1); c.1624T>G, p.Cys542Gly (NM_172105.4); short protein forms C488G, C494G, C519G, C542G, C548G.
Identifiers: ClinVar variation 1024725 (VCV001024725.13), dbSNP rs1429034123, ClinGen allele CA365698283.